The following is an entry in ClinVar:

ClinVar aggregate classification (germline): Pathogenic (1 of 4 stars; one submission).

Submission:

Labcorp Genetics (formerly Invitae), Labcorp
Classification: Pathogenic. Last evaluated: 2023-07-17. Review status: criteria provided, single submitter. Criteria: Invitae Variant Classification Sherloc (09022015). Collection method: clinical testing. Allele origin: germline.
Comment: This variant has not been reported in the literature in individuals affected with HSD3B2-related conditions. For these reasons, this variant has been classified as Pathogenic. This variant disrupts a region of the HSD3B2 protein in which other variant(s) (p.Arg335*) have been determined to be pathogenic (PMID: 18252794, 31006099). This suggests that this is a clinically significant region of the protein, and that variants that disrupt it are likely to be disease-causing. This variant is not present in population databases (gnomAD no frequency). This sequence change creates a premature translational stop signal (p.Cys182*) in the HSD3B2 gene. While this is not anticipated to result in nonsense mediated decay, it is expected to disrupt the last 191 amino acid(s) of the HSD3B2 protein.

Literature cited by the submitters: PubMed 18252794; PubMed 31006099.

NM_000198.4(HSD3B2):c.546T>A (p.Cys182Ter)

Gene: HSD3B2 (hydroxy-delta-5-steroid dehydrogenase, 3 beta- and steroid delta-isomerase 2; plus strand). Cytogenetic location: 1p12.
Variant type: single nucleotide variant.
Coding change: c.546T>A on transcript NM_000198.4 (MANE Select); coding-DNA position 546, T replaced by A.
Protein change: p.Cys182Ter; replaces cysteine 182 with a stop codon.
Molecular consequence: nonsense.
Genome position (GRCh38, 1-based): chr1:119,422,047, T>A. VCF-style: chr1-119422047-T-A. GRCh37 (hg19) VCF-style: chr1-119964670-T-A.
Other names: c.546T>A, p.Cys182Ter (NM_001166120.2); short protein forms C182*.
Identifiers: ClinVar variation 2737086 (VCV002737086.3), dbSNP rs2526391994, ClinGen allele CA341397025.